The following is an entry in ClinVar:

ClinVar aggregate classification (germline): Pathogenic/Likely pathogenic. Review status: criteria provided, multiple submitters, no conflicts (2 of 4 stars). 2 submissions from 2 submitters: Pathogenic (1); Likely pathogenic (1). Last evaluated 2025-12-31.

Conditions:
Autosomal recessive nonsyndromic hearing loss 28. Identifiers: Orphanet 90636, MedGen C1853276, MONDO:0012355, OMIM 609823.

Submissions (2):

First Genomix Gene Laboratory, Genetic Diagnostics Department
Classification: Likely pathogenic for Autosomal recessive nonsyndromic hearing loss 28. Last evaluated: 2025-12-31. Review status: criteria provided, single submitter. Criteria: ACMG Guidelines, 2015. Collection method: clinical testing. Allele origin: germline. Inheritance: Autosomal recessive inheritance. Affected: no. Observed: 1 variant allele.

Labcorp Genetics (formerly Invitae), Labcorp
Classification: Pathogenic. Last evaluated: 2024-02-13. Review status: criteria provided, single submitter. Criteria: Invitae Variant Classification Sherloc (09022015). Collection method: clinical testing. Allele origin: germline.
Comment: This sequence change creates a premature translational stop signal (p.Ser578Profs*301) in the TRIOBP gene. It is expected to result in an absent or disrupted protein product. Loss-of-function variants in TRIOBP are known to be pathogenic (PMID: 16385457, 16385458, 20510926). This variant is not present in population databases (gnomAD no frequency). This variant has not been reported in the literature in individuals affected with TRIOBP-related conditions. For these reasons, this variant has been classified as Pathogenic.

Literature cited by the submitters: PubMed 16385457 (cited by Labcorp Genetics (formerly Invitae), Labcorp); PubMed 16385458 (cited by Labcorp Genetics (formerly Invitae), Labcorp); PubMed 20510926 (cited by Labcorp Genetics (formerly Invitae), Labcorp).

NM_001039141.3(TRIOBP):c.1731del (p.Ser578fs)

Gene: TRIOBP (TRIO and F-actin binding protein; plus strand). Cytogenetic location: 22q13.1.
Variant type: Deletion.
Coding change: c.1731del on transcript NM_001039141.3 (MANE Select); coding-DNA position 1731, one base deleted (A; older notation c.1731delA).
Protein change: p.Ser578fs; shifts the reading frame from serine 578.
Molecular consequence: frameshift variant.
Genome position (GRCh38, 1-based): chr22:37,724,287, A deleted. VCF-style (leftmost placement, unchanged base first): chr22-37724286-CA-C. GRCh37 (hg19) VCF-style: chr22-38120293-CA-C.
Other names: short protein forms S578fs.
Identifiers: ClinVar variation 3640409 (VCV003640409.3).